The following is an entry in ClinVar:

ClinVar aggregate classification (germline): Uncertain significance (1 of 4 stars; one submission).

Conditions:
Nizon-Isidor syndrome. Identifiers: MedGen C5394350, MONDO:0030030, OMIM 618872.

gnomAD v4.1: 2 of 1,611,878 alleles (0.00012%); highest among the groups gnomAD compares: Middle Eastern, 0.033%; no homozygotes.

Submission:

Institute of Human Genetics, Clinical Exome/Genome Diagnostics Group, University Hospital Bonn
Classification: Uncertain significance for Nizon-Isidor syndrome. Last evaluated: 2022-03-28. Review status: criteria provided, single submitter. Criteria: ACMG Guidelines, 2015. Collection method: clinical testing. Allele origin: germline. Affected: yes.
Comment: PM2, BP1

NM_001393769.1(MED12L):c.815T>A (p.Leu272His)

Gene: MED12L (mediator complex subunit 12L; plus strand). Cytogenetic location: 3q25.1.
Variant type: single nucleotide variant.
Coding change: c.815T>A on transcript NM_001393769.1 (MANE Select); coding-DNA position 815, T replaced by A.
Protein change: p.Leu272His; replaces leucine 272 with histidine.
Molecular consequence: missense variant.
Genome position (GRCh38, 1-based): chr3:151,158,777, T>A. VCF-style: chr3-151158777-T-A. GRCh37 (hg19) VCF-style: chr3-150876564-T-A.
Other names: c.815T>A, p.Leu272His (NM_053002.6); short protein forms L272H.
Identifiers: ClinVar variation 1675325 (VCV001675325.1), dbSNP rs2148948568, ClinGen allele CA354960608.